The following is an entry in ClinVar:

ClinVar aggregate classification (germline): Uncertain significance (1 of 4 stars; one submission).

gnomAD v4.1: 10 of 1,611,202 alleles (0.00062%); highest among the groups gnomAD compares: Non-Finnish European, 0.00085%; no homozygotes.

Submission:

Ambry Genetics
Classification: Uncertain significance. Last evaluated: 2024-12-08. Review status: criteria provided, single submitter. Criteria: Ambry Variant Classification Scheme 2023. Collection method: clinical testing. Allele origin: germline.
Comment: The p.G1270V variant (also known as c.3809G>T), located in coding exon 16 of the WNK2 gene, results from a G to T substitution at nucleotide position 3809. The glycine at codon 1270 is replaced by valine, an amino acid with dissimilar properties. This amino acid position is conserved. In addition, this alteration is predicted to be tolerated by in silico analysis. Based on the available evidence, the clinical significance of this variant remains unclear.

NM_006648.4(WNK2):c.3809G>T (p.Gly1270Val)

Gene: WNK2 (WNK lysine deficient protein kinase 2; plus strand). Cytogenetic location: 9q22.31.
Variant type: single nucleotide variant.
Coding change: c.3809G>T on transcript NM_006648.4 (MANE Select); coding-DNA position 3809, G replaced by T.
Protein change: p.Gly1270Val; replaces glycine 1270 with valine.
Molecular consequence: missense variant.
Genome position (GRCh38, 1-based): chr9:93,267,858, G>T. VCF-style: chr9-93267858-G-T. GRCh37 (hg19) VCF-style: chr9-96030140-G-T.
Other names: c.3809G>T, p.Gly1270Val (NM_001282394.3); short protein forms G1270V.
Identifiers: ClinVar variation 3470677 (VCV003470677.1).